The following is an entry in ClinVar:

NM_001127208.3(TET2):c.823A>C (p.Asn275His)

Genes: TET2 (tet methylcytosine dioxygenase 2; plus strand), TET2-AS1 (TET2 antisense RNA 1; minus strand). Cytogenetic location: 4q24.
Variant type: single nucleotide variant.
Coding change: c.823A>C on transcript NM_001127208.3 (MANE Select); coding-DNA position 823, A replaced by C.
Protein change: p.Asn275His; replaces asparagine 275 with histidine.
Molecular consequence: missense variant.
Genome position (GRCh38, 1-based): chr4:105,234,765, A>C. VCF-style: chr4-105234765-A-C. GRCh37 (hg19) VCF-style: chr4-106155922-A-C.
Other names: c.823A>C, p.Asn275His (NM_017628.4); short protein forms N275H.
Identifiers: ClinVar variation 4182914 (VCV004182914.1).

ClinVar aggregate classification (germline): Uncertain significance (1 of 4 stars; one submission).

gnomAD v4.1: 1 of 1,613,964 alleles (0.000062%); highest among the groups gnomAD compares: African/African-American, 0.0013%; no homozygotes.

Submission:

Ambry Genetics
Classification: Uncertain significance. Last evaluated: 2025-06-16. Review status: criteria provided, single submitter. Criteria: Ambry Variant Classification Scheme 2023. Collection method: clinical testing. Allele origin: germline.
Comment: The p.N275H variant (also known as c.823A>C), located in coding exon 1 of the TET2 gene, results from an A to C substitution at nucleotide position 823. The asparagine at codon 275 is replaced by histidine, an amino acid with similar properties. This amino acid position is conserved. In addition, this alteration is predicted to be tolerated by in silico analysis. Based on the available evidence, the clinical significance of this variant remains unclear.